The following is an entry in ClinVar:

NM_001212.4(C1QBP):c.109C>T (p.Arg37Trp)

Gene: C1QBP (complement C1q binding protein; minus strand). Cytogenetic location: 17p13.2.
Variant type: single nucleotide variant.
Coding change: c.109C>T on transcript NM_001212.4 (MANE Select); coding-DNA position 109, C replaced by T.
Protein change: p.Arg37Trp; replaces arginine 37 with tryptophan.
Molecular consequence: missense variant.
Genome position (GRCh38, 1-based): chr17:5,438,965, G>A on the plus strand (C>T on the coding strand, the complement: C1QBP is on the minus strand). VCF-style: chr17-5438965-G-A. GRCh37 (hg19) VCF-style: chr17-5342285-G-A.
Other names: c.109C>T (NM_001212.3); short protein forms R37W.
Identifiers: ClinVar variation 1395468 (VCV001395468.6), dbSNP rs56004395, ClinGen allele CA287261566.

ClinVar aggregate classification (germline): Uncertain significance. Review status: criteria provided, single submitter (1 of 4 stars). 2 submissions from 2 submitters: Uncertain significance (1). 1 of the submissions does not count toward it. Last evaluated 2026-01-12.

Conditions:
C1QBP-related disorder. Also called: C1QBP-related condition.

Allele frequency attached by ClinVar (database versions not stated): gnomAD exomes 0.00003; gnomAD 0.00005 and 0.00006.
gnomAD v4.1: 83 of 1,502,364 alleles (0.0055%); highest among the groups gnomAD compares: Non-Finnish European, 0.0066%; no homozygotes.

Submissions (2):

Labcorp Genetics (formerly Invitae), Labcorp
Classification: Uncertain significance. Last evaluated: 2026-01-12. Review status: criteria provided, single submitter. Criteria: Invitae Variant Classification Sherloc (09022015). Collection method: clinical testing. Allele origin: germline.
Comment: This sequence change replaces arginine, which is basic and polar, with tryptophan, which is neutral and slightly polar, at codon 37 of the C1QBP protein (p.Arg37Trp). The frequency data for this variant in the population databases is considered unreliable, as metrics indicate poor data quality at this position in the gnomAD database. This variant has not been reported in the literature in individuals affected with C1QBP-related conditions. ClinVar contains an entry for this variant (Variation ID: 1395468). Invitae Evidence Modeling of protein sequence and biophysical properties (such as structural, functional, and spatial information, amino acid conservation, physicochemical variation, residue mobility, and thermodynamic stability) indicates that this missense variant is expected to disrupt C1QBP protein function with a positive predictive value of 80%. In summary, the available evidence is currently insufficient to determine the role of this variant in disease. Therefore, it has been classified as a Variant of Uncertain Significance.

PreventionGenetics, part of Exact Sciences
Classification: Uncertain significance for C1QBP-related condition. Last evaluated: 2024-01-02. Review status: no assertion criteria provided. Collection method: clinical testing. Allele origin: germline. Not counted in ClinVar's aggregate classification.
Comment: The C1QBP c.109C>T variant is predicted to result in the amino acid substitution p.Arg37Trp. To our knowledge, this variant has not been reported in the literature. This variant is reported in 0.017% of alleles in individuals of Ashkenazi Jewish descent in gnomAD. At this time, the clinical significance of this variant is uncertain due to the absence of conclusive functional and genetic evidence.